The following is an entry in ClinVar:

ClinVar aggregate classification (germline): Benign. Review status: criteria provided, multiple submitters, no conflicts (2 of 4 stars). 3 submissions from 3 submitters: Benign (3). Last evaluated 2026-01-15.

Conditions:
ADSS1-related disorder. Also called: ADSS1-related condition.

Allele frequency attached by ClinVar (database versions not stated): TOPMed 0.00369; ESP Exome Variant Server 0.00377; 1000 Genomes Project 0.00419; 1000 Genomes Project 30x 0.00453.
gnomAD v4.1: 972 of 1,613,132 alleles (0.06%); highest among the groups gnomAD compares: African/African-American, 1.1%; 7 homozygotes.

Submissions (3):

Labcorp Genetics (formerly Invitae), Labcorp
Classification: Benign. Last evaluated: 2026-01-15. Review status: criteria provided, single submitter. Criteria: Invitae Variant Classification Sherloc (09022015). Collection method: clinical testing. Allele origin: germline.

PreventionGenetics, part of Exact Sciences
Classification: Benign for ADSS1-related condition. Last evaluated: 2025-01-14. Review status: criteria provided, single submitter. Criteria: ACMG Guidelines, 2015. Collection method: clinical testing. Allele origin: germline.
Comment: This variant is classified as benign based on ACMG/AMP sequence variant interpretation guidelines (Richards et al. 2015 PMID: 25741868, with internal and published modifications).

Breakthrough Genomics
Classification: Benign. Review status: criteria provided, single submitter. Criteria: ACMG Guidelines, 2015. Collection method: not provided. Allele origin: germline. Inheritance: Autosomal recessive inheritance. Affected: yes.

NM_152328.5(ADSS1):c.986G>C (p.Trp329Ser)

Gene: ADSS1 (adenylosuccinate synthase 1; plus strand). Cytogenetic location: 14q32.33.
Variant type: single nucleotide variant.
Coding change: c.986G>C on transcript NM_152328.5 (MANE Select); coding-DNA position 986, G replaced by C.
Protein change: p.Trp329Ser; replaces tryptophan 329 with serine.
Molecular consequence: missense variant.
Genome position (GRCh38, 1-based): chr14:104,743,104, G>C. VCF-style: chr14-104743104-G-C. GRCh37 (hg19) VCF-style: chr14-105209441-G-C.
Other names: c.371G>C, p.Trp124Ser (NM_001320424.1); c.1115G>C, p.Trp372Ser (NM_199165.2); short protein forms W124S, W329S, W372S.
Identifiers: ClinVar variation 787418 (VCV000787418.10), dbSNP rs144330253, ClinGen allele CA7373968.